The following is an entry in ClinVar:

ClinVar aggregate classification (germline): Uncertain significance (1 of 4 stars; one submission).

Conditions:
HSF4-related disorder. Also called: HSF4-related condition.

Submission:

PreventionGenetics, part of Exact Sciences
Classification: Uncertain significance for HSF4-related condition. Last evaluated: 2025-02-15. Review status: criteria provided, single submitter. Criteria: ACMG Guidelines, 2015. Collection method: clinical testing. Allele origin: germline.
Comment: The HSF4 c.194A>T variant is predicted to result in the amino acid substitution p.His65Leu. To our knowledge, this variant has not been reported in the literature or in a large population database (gnomAD), indicating this variant is rare. Of note, a different variant impacting the same amino acid (p.His65Tyr) has been reported in a patient with isolated cataracts (Kessel et al. 2021. PubMed ID: 34169787). At this time, the clinical significance of the c.194A>T (p.His65Leu) variant is uncertain due to the absence of conclusive functional and genetic evidence.

NM_001374675.1(HSF4):c.194A>T (p.His65Leu)

Gene: HSF4 (heat shock transcription factor 4; plus strand). Cytogenetic location: 16q22.1.
Variant type: single nucleotide variant.
Coding change: c.194A>T on transcript NM_001374675.1 (MANE Select); coding-DNA position 194, A replaced by T.
Protein change: p.His65Leu; replaces histidine 65 with leucine.
Molecular consequence: missense variant.
Genome position (GRCh38, 1-based): chr16:67,165,592, A>T. VCF-style: chr16-67165592-A-T. GRCh37 (hg19) VCF-style: chr16-67199495-A-T.
Other names: c.194A>T, p.His65Leu (NM_001040667.3, NM_001374674.1, NM_001538.4); short protein forms H65L.
Identifiers: ClinVar variation 4997078 (VCV004997078.1).